The following is an entry in ClinVar:

ClinVar aggregate classification (germline): Uncertain significance (1 of 4 stars; one submission).

Conditions:
Focal segmental glomerulosclerosis 5 (FSGS5). Identifiers: Orphanet 656, MedGen C2750475, MONDO:0013191, OMIM 613237.
Charcot-Marie-Tooth disease dominant intermediate E. Also called: CHARCOT-MARIE-TOOTH NEUROPATHY WITH FOCAL SEGMENTAL GLOMERULONEPHRITIS. Identifiers: Orphanet 93114, MedGen C4302667, MONDO:0013758, OMIM 614455.

Allele frequency attached by ClinVar (database versions not stated): gnomAD exomes below 0.00001.

Submission:

Labcorp Genetics (formerly Invitae), Labcorp
Classification: Uncertain significance for Charcot-Marie-Tooth disease dominant intermediate E; Focal segmental glomerulosclerosis 5. Last evaluated: 2021-12-11. Review status: criteria provided, single submitter. Criteria: Invitae Variant Classification Sherloc (09022015). Collection method: clinical testing. Allele origin: germline.
Comment: In summary, the available evidence is currently insufficient to determine the role of this variant in disease. Therefore, it has been classified as a Variant of Uncertain Significance. This variant has not been reported in the literature in individuals affected with INF2-related conditions. This variant is not present in population databases (gnomAD no frequency). This sequence change disrupts the translational stop signal of the INF2 mRNA. It is expected to extend the length of the INF2 protein by 10 additional amino acid residues.

NM_022489.4(INF2):c.3750A>C (p.Ter1250Tyr)

Gene: INF2 (inverted formin 2; plus strand). Cytogenetic location: 14q32.33.
Variant type: single nucleotide variant.
Coding change: c.3750A>C on transcript NM_022489.4 (MANE Select); coding-DNA position 3750, A replaced by C.
Protein change: p.Ter1250Tyr.
Molecular consequence: stop lost. On other transcripts: intron variant (1).
Genome position (GRCh38, 1-based): chr14:104,715,339, A>C. VCF-style: chr14-104715339-A-C. GRCh37 (hg19) VCF-style: chr14-105181676-A-C.
Other names: c.3694+483A>C (NM_001031714.4).
Identifiers: ClinVar variation 1980359 (VCV001980359.4), dbSNP rs1566787067, ClinGen allele CA391226348.